The following is an entry in ClinVar:

NM_000038.6(APC):c.8338A>G (p.Arg2780Gly)

Gene: APC (APC regulator of Wnt signaling pathway; plus strand). Cytogenetic location: 5q22.2.
Variant type: single nucleotide variant.
Coding change: c.8338A>G on transcript NM_000038.6 (MANE Select); coding-DNA position 8338, A replaced by G.
Protein change: p.Arg2780Gly; replaces arginine 2780 with glycine.
Molecular consequence: missense variant. On other transcripts: non-coding transcript variant (2).
Genome position (GRCh38, 1-based): chr5:112,843,932, A>G. VCF-style: chr5-112843932-A-G. GRCh37 (hg19) VCF-style: chr5-112179629-A-G.
Other names: c.8338A>G, p.Arg2780Gly (NM_001127510.3, NM_001354895.2, NM_001407450.1); c.8284A>G, p.Arg2762Gly (NM_001127511.3); c.8392A>G, p.Arg2798Gly (NM_001354896.2, NM_001407447.1, NM_001407448.1 and 1 more transcripts); c.8368A>G, p.Arg2790Gly (NM_001354897.2); c.8263A>G, p.Arg2755Gly (NM_001354898.2); c.8254A>G, p.Arg2752Gly (NM_001354899.2); c.8215A>G, p.Arg2739Gly (NM_001354900.2); c.8161A>G, p.Arg2721Gly (NM_001354901.2, NM_001407453.1); and 11 more; short protein forms R2396G, R2497G, R2620G, R2651G, R2654G, R2679G, R2689G, R2697G.
Identifiers: ClinVar variation 4801530 (VCV004801530.1).

ClinVar aggregate classification (germline): Uncertain significance (1 of 4 stars; one submission).

Conditions:
Familial adenomatous polyposis 1 (FAP1). Also called: FAMILIAL ADENOMATOUS POLYPOSIS 1, ATTENUATED; POLYPOSIS, ADENOMATOUS INTESTINAL. Identifiers: MedGen C2713442, MONDO:0021056, OMIM 175100. Disease mechanism: loss of function.

Submission:

Labcorp Genetics (formerly Invitae), Labcorp
Classification: Uncertain significance for Familial adenomatous polyposis 1. Last evaluated: 2025-05-14. Review status: criteria provided, single submitter. Criteria: Invitae Variant Classification Sherloc (09022015). Collection method: clinical testing. Allele origin: germline.
Comment: This sequence change replaces arginine, which is basic and polar, with glycine, which is neutral and non-polar, at codon 2780 of the APC protein (p.Arg2780Gly). This variant is not present in population databases (gnomAD no frequency). This variant has not been reported in the literature in individuals affected with APC-related conditions. Invitae Evidence Modeling of protein sequence and biophysical properties (such as structural, functional, and spatial information, amino acid conservation, physicochemical variation, residue mobility, and thermodynamic stability) indicates that this missense variant is not expected to disrupt APC protein function with a negative predictive value of 95%. In summary, the available evidence is currently insufficient to determine the role of this variant in disease. Therefore, it has been classified as a Variant of Uncertain Significance.